The following is an entry in ClinVar:

NM_000939.4(POMC):c.299C>A (p.Ala100Glu)

Gene: POMC (proopiomelanocortin; minus strand). Cytogenetic location: 2p23.3.
Variant type: single nucleotide variant.
Coding change: c.299C>A on transcript NM_000939.4 (MANE Select); coding-DNA position 299, C replaced by A.
Protein change: p.Ala100Glu; replaces alanine 100 with glutamic acid.
Molecular consequence: missense variant.
Genome position (GRCh38, 1-based): chr2:25,161,586, G>T on the plus strand (C>A on the coding strand, the complement: POMC is on the minus strand). VCF-style: chr2-25161586-G-T. GRCh37 (hg19) VCF-style: chr2-25384455-G-T.
Other names: c.299C>A, p.Ala100Glu (NM_001035256.3, NM_001319204.2, NM_001319205.2); short protein forms A100E.
Identifiers: ClinVar variation 4984661 (VCV004984661.1).

ClinVar aggregate classification (germline): Uncertain significance (1 of 4 stars; one submission).

Conditions:
POMC-related disorder. Also called: POMC-related condition; POMC-related disorders.

Submission:

PreventionGenetics, part of Exact Sciences
Classification: Uncertain significance for POMC-related condition. Last evaluated: 2025-01-30. Review status: criteria provided, single submitter. Criteria: ACMG Guidelines, 2015. Collection method: clinical testing. Allele origin: germline.
Comment: The POMC c.299C>A variant is predicted to result in the amino acid substitution p.Ala100Glu. To our knowledge, this variant has not been reported in the literature or in a large population database (gnomAD), indicating this variant is rare. This variant was observed in a cohort of individuals with obesity, and in vitro functional studies showed function similar to wild-type levels (Supplemental Data Set, Shah et al. 2023. PubMed ID: 36864747). At this time, the clinical significance of this variant is uncertain due to the absence of conclusive functional and genetic evidence.